The following is an entry in ClinVar:

ClinVar aggregate classification (germline): Uncertain significance (1 of 4 stars; one submission).

Allele frequency attached by ClinVar (database versions not stated): gnomAD exomes 0.00001; ExAC 0.00002.
gnomAD v4.1: 6 of 1,614,228 alleles (0.00037%); highest among the groups gnomAD compares: Admixed American, 0.01%; no homozygotes.

Submission:

Labcorp Genetics (formerly Invitae), Labcorp
Classification: Uncertain significance. Last evaluated: 2023-05-21. Review status: criteria provided, single submitter. Criteria: Invitae Variant Classification Sherloc (09022015). Collection method: clinical testing. Allele origin: germline.
Comment: In summary, the available evidence is currently insufficient to determine the role of this variant in disease. Therefore, it has been classified as a Variant of Uncertain Significance. An algorithm developed to predict the effect of missense changes on protein structure and function (PolyPhen-2) suggests that this variant is likely to be disruptive. This variant has not been reported in the literature in individuals affected with IRF2BP2-related conditions. This variant is present in population databases (rs756016585, gnomAD 0.02%). This sequence change replaces aspartic acid, which is acidic and polar, with glycine, which is neutral and non-polar, at codon 433 of the IRF2BP2 protein (p.Asp433Gly).

NM_182972.3(IRF2BP2):c.1298A>G (p.Asp433Gly)

Gene: IRF2BP2 (interferon regulatory factor 2 binding protein 2; minus strand). Cytogenetic location: 1q42.3.
Variant type: single nucleotide variant.
Coding change: c.1298A>G on transcript NM_182972.3 (MANE Select); coding-DNA position 1298, A replaced by G.
Protein change: p.Asp433Gly; replaces aspartic acid 433 with glycine.
Molecular consequence: missense variant.
Genome position (GRCh38, 1-based): chr1:234,607,603, T>C on the plus strand (A>G on the coding strand, the complement: IRF2BP2 is on the minus strand). VCF-style: chr1-234607603-T-C. GRCh37 (hg19) VCF-style: chr1-234743349-T-C.
Other names: c.1250A>G, p.Asp417Gly (NM_001077397.1); short protein forms D417G, D433G.
Identifiers: ClinVar variation 2968545 (VCV002968545.3), dbSNP rs756016585, ClinGen allele CA1461598.